The following is an entry in ClinVar:

NM_001199201.2(ZBBX):c.2313A>G (p.Gln771=)

Gene: ZBBX (zinc finger B-box domain containing; minus strand). Cytogenetic location: 3q26.1.
Variant type: single nucleotide variant.
Coding change: c.2313A>G on transcript NM_001199201.2 (MANE Select); coding-DNA position 2313, A replaced by G.
Protein change: p.Gln771=; no amino-acid change (glutamine 771 retained).
Molecular consequence: synonymous variant.
Genome position (GRCh38, 1-based): chr3:167,242,585, T>C on the plus strand (A>G on the coding strand, the complement: ZBBX is on the minus strand). VCF-style: chr3-167242585-T-C. GRCh37 (hg19) VCF-style: chr3-166960373-T-C.
Other names: c.2109A>G, p.Gln703= (NM_001199202.2); c.2196A>G, p.Gln732= (NM_001377489.1, NM_024687.4).
Identifiers: ClinVar variation 2654265 (VCV002654265.24), dbSNP rs767602444, ClinGen allele CA436701263.

ClinVar aggregate classification (germline): Likely benign (1 of 4 stars; one submission).

Allele frequency attached by ClinVar (database versions not stated): TOPMed 0.00001.
gnomAD v4.1: 3 of 1,613,812 alleles (0.00019%); highest among the groups gnomAD compares: South Asian, 0.0022%; no homozygotes.

Submission:

CeGaT Center for Human Genetics Tuebingen
Classification: Likely benign. Last evaluated: 2022-05-01. Review status: criteria provided, single submitter. Criteria: CeGaT Center For Human Genetics Tuebingen Variant Classification Criteria Version 2. Collection method: clinical testing. Allele origin: germline. Affected: yes. Observed: 1 variant allele.
Comment: ZBBX: BP4, BP7